The following is an entry in ClinVar:

ClinVar aggregate classification (germline): Uncertain significance (1 of 4 stars; one submission).

gnomAD v4.1: 9 of 1,614,040 alleles (0.00056%); highest among the groups gnomAD compares: Admixed American, 0.012%; no homozygotes.

Submission:

Women's Health and Genetics/Laboratory Corporation of America, LabCorp
Classification: Uncertain significance. Last evaluated: 2026-01-29. Review status: criteria provided, single submitter. Criteria: LabCorp Variant Classification Summary - May 2015. Collection method: clinical testing. Allele origin: germline.
Comment: Variant summary: SPTBN1 c.2447A>T (p.Glu816Val) results in a non-conservative amino acid change in the encoded protein sequence. Algorithms developed to predict the effect of missense changes on protein structure and function are either unavailable or do not agree on the potential impact of this missense change. The variant allele was found at a frequency of 1.6e-05 in 250880 control chromosomes. The available data on variant occurrences in the general population are insufficient to allow any conclusion about variant significance. To our knowledge, no occurrence of c.2447A>T in individuals affected with SPTBN1-related conditions and no experimental evidence demonstrating its impact on protein function have been reported. No submitters have cited clinical-significance assessments for this variant to ClinVar. Based on the evidence outlined above, the variant was classified as uncertain significance.

NM_003128.3(SPTBN1):c.2447A>T (p.Glu816Val)

Gene: SPTBN1 (spectrin beta, non-erythrocytic 1; plus strand). Cytogenetic location: 2p16.2.
Variant type: single nucleotide variant.
Coding change: c.2447A>T on transcript NM_003128.3 (MANE Select); coding-DNA position 2447, A replaced by T.
Protein change: p.Glu816Val; replaces glutamic acid 816 with valine.
Molecular consequence: missense variant.
Genome position (GRCh38, 1-based): chr2:54,629,581, A>T. VCF-style: chr2-54629581-A-T. GRCh37 (hg19) VCF-style: chr2-54856718-A-T.
Other names: c.2408A>T, p.Glu803Val (NM_178313.3); short protein forms E803V, E816V.
Identifiers: ClinVar variation 4689055 (VCV004689055.1).